The following is an entry in ClinVar:

ClinVar aggregate classification (germline): Likely benign. Review status: criteria provided, multiple submitters, no conflicts (2 of 4 stars). 3 submissions from 3 submitters: Likely benign (2). 1 of the submissions does not count toward it. Last evaluated 2023-09-28.

Conditions:
MYO7A-related disorder. Also called: MYO7A-related disorders.

Allele frequency attached by ClinVar (database versions not stated): gnomAD 0.00011 and 0.00009; gnomAD exomes 0.00005; TOPMed 0.00010; ESP Exome Variant Server 0.00008.
gnomAD v4.1: 56 of 1,553,046 alleles (0.0036%); highest among the groups gnomAD compares: African/African-American, 0.016%; no homozygotes.

Submissions (3):

Labcorp Genetics (formerly Invitae), Labcorp
Classification: Likely benign. Last evaluated: 2023-09-28. Review status: criteria provided, single submitter. Criteria: Invitae Variant Classification Sherloc (09022015). Collection method: clinical testing. Allele origin: germline.

GeneDx
Classification: Likely benign. Last evaluated: 2021-01-21. Review status: criteria provided, single submitter. Criteria: GeneDx Variant Classification Process June 2021. Collection method: clinical testing. Allele origin: germline. Affected: yes.

PreventionGenetics, part of Exact Sciences
Classification: Likely benign for MYO7A-related condition. Last evaluated: 2019-02-21. Review status: no assertion criteria provided. Collection method: clinical testing. Allele origin: germline. Not counted in ClinVar's aggregate classification.
Comment: This variant is classified as likely benign based on ACMG/AMP sequence variant interpretation guidelines (Richards et al. 2015 PMID: 25741868, with internal and published modifications).

NM_000260.4(MYO7A):c.1872G>A (p.Thr624=)

Gene: MYO7A (myosin VIIA; plus strand). Cytogenetic location: 11q13.5.
Variant type: single nucleotide variant.
Coding change: c.1872G>A on transcript NM_000260.4 (MANE Select); coding-DNA position 1872, G replaced by A.
Protein change: p.Thr624=; no amino-acid change (threonine 624 retained).
Molecular consequence: synonymous variant.
Genome position (GRCh38, 1-based): chr11:77,172,822, G>A. VCF-style: chr11-77172822-G-A. GRCh37 (hg19) VCF-style: chr11-76883868-G-A.
Other names: c.1872G>A, p.Thr624= (NM_001127180.2); c.1839G>A, p.Thr613= (NM_001369365.1).
Identifiers: ClinVar variation 1151115 (VCV001151115.13), dbSNP rs370110939, ClinGen allele CA224836142.